The following is an entry in ClinVar:

ClinVar aggregate classification (germline): Uncertain significance. Review status: criteria provided, multiple submitters, no conflicts (2 of 4 stars). 2 submissions from 2 submitters: Uncertain significance (2). Last evaluated 2026-06-15.

Conditions:
Hereditary cancer-predisposing syndrome. Also called: Neoplastic Syndromes, Hereditary; Tumor predisposition; Hereditary Cancer Syndrome; Hereditary neoplastic syndrome. Identifiers: Orphanet 140162, MedGen C0027672, MeSH D009386, MONDO:0015356.

Submissions (2):

Ambry Genetics
Classification: Uncertain significance for Hereditary cancer-predisposing syndrome. Last evaluated: 2026-06-15. Review status: criteria provided, single submitter. Criteria: Ambry Variant Classification Scheme 2023. Collection method: clinical testing. Allele origin: germline.
Comment: The p.K307N variant (also known as c.921A>T), located in coding exon 4 of the PALB2 gene, results from an A to T substitution at nucleotide position 921. The lysine at codon 307 is replaced by asparagine, an amino acid with similar properties. This amino acid position is conserved. In addition, this alteration is predicted to be tolerated by in silico analysis. Based on the available evidence, the clinical significance of this variant remains unclear.

Women's Health and Genetics/Laboratory Corporation of America, LabCorp
Classification: Uncertain significance. Last evaluated: 2026-02-23. Review status: criteria provided, single submitter. Criteria: LabCorp Variant Classification Summary - May 2015. Collection method: clinical testing. Allele origin: germline.
Comment: Variant summary: PALB2 c.921A>T (p.Lys307Asn) results in a non-conservative amino acid change in the encoded protein sequence. Algorithms developed to predict the effect of missense changes on protein structure and function are either unavailable or do not agree on the potential impact of this missense change. The variant was absent in 251216 control chromosomes. The available data on variant occurrences in the general population are insufficient to allow any conclusion about variant significance. To our knowledge, no occurrence of c.921A>T in individuals affected with PALB2-related conditions and no experimental evidence demonstrating its impact on protein function have been reported. No submitters have cited clinical-significance assessments for this variant to ClinVar. Based on the evidence outlined above, the variant was classified as uncertain significance.

NM_024675.4(PALB2):c.921A>T (p.Lys307Asn)

Gene: PALB2 (partner and localizer of BRCA2; minus strand). Cytogenetic location: 16p12.2.
Variant type: single nucleotide variant.
Coding change: c.921A>T on transcript NM_024675.4 (MANE Select); coding-DNA position 921, A replaced by T.
Protein change: p.Lys307Asn; replaces lysine 307 with asparagine.
Molecular consequence: missense variant. On other transcripts: intron variant (3).
Genome position (GRCh38, 1-based): chr16:23,635,625, T>A on the plus strand (A>T on the coding strand, the complement: PALB2 is on the minus strand). VCF-style: chr16-23635625-T-A. GRCh37 (hg19) VCF-style: chr16-23646946-T-A.
Other names: c.861A>T, p.Lys287Asn (NM_001407296.1); c.921A>T, p.Lys307Asn (NM_001407297.1, NM_001407298.1, NM_001407299.1 and 3 more transcripts); c.36A>T, p.Lys12Asn (NM_001407304.1, NM_001407305.1, NM_001407306.1 and 5 more transcripts); c.48+5485A>T (NM_001407314.1); c.-104-5156A>T (NM_001407313.1, NM_001407312.1); short protein forms K12N, K287N, K307N.
Identifiers: ClinVar variation 4848166 (VCV004848166.2).